The following is an entry in ClinVar:

ClinVar aggregate classification (germline): Benign (0 of 4 stars; one submission).

Conditions:
Legius syndrome. Identifiers: Orphanet 137605, MedGen C1969623, MONDO:0012669, OMIM 611431. Disease mechanism: loss of function.

Allele frequency attached by ClinVar (database versions not stated): gnomAD exomes 0.11994; gnomAD 0.17991 and 0.17559; TOPMed 0.19460; 1000 Genomes Project 0.20068; 1000 Genomes Project 30x 0.20253.

Submission:

GeneReviews
Classification: Benign for Legius Syndrome. Last evaluated: 2010-10-14. Review status: no assertion criteria provided. Collection method: curation. Allele origin: unknown.
ClinVar note: Converted during submission from benign to Benign.

NM_152594.3(SPRED1):c.424-98=

Gene: SPRED1 (sprouty related EVH1 domain containing 1; plus strand). Cytogenetic location: 15q14.
Variant type: single nucleotide variant.
Coding change: c.424-98= on transcript NM_152594.3 (MANE Select); 98 bases into the intron before coding-DNA position 424, no change from the reference sequence.
Molecular consequence: intron variant.
Genome position: GRCh38 VCF-style: chr15-38339639-T-T. GRCh37 (hg19) VCF-style: chr15-38631840-T-T.
Identifiers: ClinVar variation 41373 (VCV000041373.4), dbSNP rs7163339.